The following is an entry in ClinVar:

NM_001018005.2(TPM1):c.401C>G (p.Ala134Gly)

Gene: TPM1 (tropomyosin 1; plus strand). Cytogenetic location: 15q22.2.
Variant type: single nucleotide variant.
Coding change: c.401C>G on transcript NM_001018005.2 (MANE Select); coding-DNA position 401, C replaced by G.
Protein change: p.Ala134Gly; replaces alanine 134 with glycine.
Molecular consequence: missense variant. On other transcripts: non-coding transcript variant (17).
Genome position (GRCh38, 1-based): chr15:63,059,589, C>G. VCF-style: chr15-63059589-C-G. GRCh37 (hg19) VCF-style: chr15-63351788-C-G.
Other names: c.401C>G, p.Ala134Gly (NM_000366.6, NM_001018004.2, NM_001018006.2 and 20 more transcripts); c.293C>G, p.Ala98Gly (NM_001018008.2, NM_001301289.2, NM_001330344.2 and 9 more transcripts); c.527C>G, p.Ala176Gly (NM_001365778.1, NM_001407322.1, NM_001407323.1 and 1 more transcripts); short protein forms A134G, A176G, A98G.
Identifiers: ClinVar variation 3365102 (VCV003365102.1).

ClinVar aggregate classification (germline): Uncertain significance (1 of 4 stars; one submission).

Submission:

GeneDx
Classification: Uncertain significance. Last evaluated: 2023-11-29. Review status: criteria provided, single submitter. Criteria: GeneDx Variant Classification Process June 2021. Collection method: clinical testing. Allele origin: germline. Affected: yes.
Comment: Has not been previously published as pathogenic or benign to our knowledge; Not observed at significant frequency in large population cohorts (gnomAD); In silico analysis supports that this missense variant has a deleterious effect on protein structure/function